The following is an entry in ClinVar:

ClinVar aggregate classification (germline): Conflicting classifications of pathogenicity. Review status: criteria provided, conflicting classifications (1 of 4 stars). 4 submissions from 4 submitters: Uncertain significance (1); Likely benign (1). 2 of the submissions do not count toward it. Last evaluated 2026-01-26.

Conditions:
Fanconi anemia complementation group E (FANCE). Also called: FANCE-Related Fanconi Anemia. Identifiers: Orphanet 84, MedGen C3160739, MONDO:0010953, OMIM 600901.

Allele frequency attached by ClinVar (database versions not stated): gnomAD exomes 0.00006 and 0.00016; 1000 Genomes Project 30x 0.00016; ExAC 0.00017; 1000 Genomes Project 0.00020; gnomAD 0.00053 and 0.00059; TOPMed 0.00076; ESP Exome Variant Server 0.00085.
gnomAD v4.1: 173 of 1,614,134 alleles (0.011%); highest among the groups gnomAD compares: African/African-American, 0.21%; no homozygotes.

Submissions (4):

Labcorp Genetics (formerly Invitae), Labcorp
Classification: Likely benign for Fanconi anemia complementation group E. Last evaluated: 2026-01-26. Review status: criteria provided, single submitter. Criteria: Invitae Variant Classification Sherloc (09022015). Collection method: clinical testing. Allele origin: germline.

Illumina Laboratory Services, Illumina
Classification: Uncertain significance for Fanconi anemia complementation group E. Last evaluated: 2018-01-13. Review status: criteria provided, single submitter. Criteria: ICSL Variant Classification Criteria 13 December 2019. Collection method: clinical testing. Allele origin: germline.

Genetic Services Laboratory, University of Chicago
Classification: Uncertain significance. Last evaluated: 2022-06-01. Review status: no assertion criteria provided. Collection method: clinical testing. Allele origin: germline. Affected: no. Not counted in ClinVar's aggregate classification.
Comment: DNA sequence analysis of the FANCE gene demonstrated a sequence change, c.1095A>C, in exon 5 that results in an amino acid change, p.Arg365Ser. This sequence change does not appear to have been previously described in individuals with FANCE-related disorders. This sequence change has been described in the gnomAD database with a frequency of 0.23% in the African American/African subpopulation (dbSNP rs141268133). The p.Arg365Ser change affects a poorly conserved amino acid residue located in a domain of the FANCE protein that is not known to be functional. In-silico pathogenicity prediction tools (SIFT, PolyPhen2, Align GVGD, REVEL) provide contradictory results for the p.Arg365Ser substitution. Due to insufficient evidences and the lack of functional studies, the clinical significance of the p.Arg365Ser change remains unknown at this time.

ITMI
No classification provided. Condition: AllHighlyPenetrant. Last evaluated: 2013-09-19. Review status: no classification provided. Collection method: reference population. Allele origin: germline. Not counted in ClinVar's aggregate classification.
Comment: Please see associated publication for description of ethnicities

Literature cited by the submitters: PubMed 24728327 (cited by ITMI).

NM_021922.3(FANCE):c.1095A>C (p.Arg365Ser)

Gene: FANCE (FA complementation group E; plus strand). Cytogenetic location: 6p21.31.
Variant type: single nucleotide variant.
Coding change: c.1095A>C on transcript NM_021922.3 (MANE Select); coding-DNA position 1095, A replaced by C.
Protein change: p.Arg365Ser; replaces arginine 365 with serine.
Molecular consequence: missense variant.
Genome position (GRCh38, 1-based): chr6:35,458,422, A>C. VCF-style: chr6-35458422-A-C. GRCh37 (hg19) VCF-style: chr6-35426199-A-C.
Other names: short protein forms R365S.
Identifiers: ClinVar variation 134338 (VCV000134338.14), dbSNP rs141268133, ClinGen allele CA159539.
Genomic context (GRCh38, chr6:35,458,422, plus strand): 5'-CACCTGGCTGCTGGCCCTTTCACCTGATCTCAGCCTCAGCAATGCTACTGTGCTGACCAG[A>C]AGCCTCTTTCTTGGACGGGTAGGTGTATTGGGAGGTACTCAGAGTGCCAAGGACAATGGG-3'
Protein context (NP_068741.1, residues 355-375): LSLSNATVLT[Arg365Ser]SLFLGRILSL